The following is an entry in ClinVar:

ClinVar aggregate classification (germline): Likely pathogenic (1 of 4 stars; one submission).

Submission:

GeneDx
Classification: Likely pathogenic. Last evaluated: 2015-07-10. Review status: criteria provided, single submitter. Criteria: GeneDx Variant Classification (06012015). Collection method: clinical testing. Allele origin: germline. Affected: yes.
Comment: The E479K variant has not been reported as a benign polymorphism to our knowledge. The E479K variant was not observed in approximately 6500 individuals of European and African American ancestry in the NHLBI Exome Sequencing Project, indicating it is not a common benign variant in these populations. The E479K variant is a non-conservative amino acid substitution, which is likely to impact secondary protein structure as these residues differ in polarity, charge, size and/or other properties. This substitution occurs at a position that is conserved across species. In silico analysis is inconsistent in its predictions as to whether or not the variant is damaging to the protein structure/function. Missense variants in nearby residues (W474S/C, A475D/P/T, F478C/I, F485L) have been reported in the Human Gene Mutation Database in association with progressive external opthalmoplegia (Stenson et al., 2014), supporting the functional importance of this region of the protein. Therefore, this variant is a strong candidate for a pathogenic variant, however the possibility that it is a benign variant cannot be excluded.

NM_021830.5(TWNK):c.1435G>A (p.Glu479Lys)

Gene: TWNK (twinkle mtDNA helicase; plus strand). Cytogenetic location: 10q24.31.
Variant type: single nucleotide variant.
Coding change: c.1435G>A on transcript NM_021830.5 (MANE Select); coding-DNA position 1435, G replaced by A.
Protein change: p.Glu479Lys; replaces glutamic acid 479 with lysine.
Molecular consequence: missense variant. On other transcripts: non-coding transcript variant (5).
Genome position (GRCh38, 1-based): chr10:100,989,835, G>A. VCF-style: chr10-100989835-G-A. GRCh37 (hg19) VCF-style: chr10-102749592-G-A.
Other names: c.1435G>A, p.Glu479Lys (NM_001163812.2); c.73G>A, p.Glu25Lys (NM_001163813.2, NM_001163814.2, NM_001368275.1); short protein forms E479K, E25K.
Identifiers: ClinVar variation 427065 (VCV000427065.2), dbSNP rs1085307937, ClinGen allele CA378210898.